The following is an entry in ClinVar:

NM_000587.4(C7):c.721G>T (p.Glu241Ter)

Gene: C7 (complement C7; plus strand). Cytogenetic location: 5p13.1.
Variant type: single nucleotide variant.
Coding change: c.721G>T on transcript NM_000587.4 (MANE Select); coding-DNA position 721, G replaced by T.
Protein change: p.Glu241Ter; replaces glutamic acid 241 with a stop codon.
Molecular consequence: nonsense.
Genome position (GRCh38, 1-based): chr5:40,945,351, G>T. VCF-style: chr5-40945351-G-T. GRCh37 (hg19) VCF-style: chr5-40945453-G-T.
Other names: short protein forms E241*.
Identifiers: ClinVar variation 2123406 (VCV002123406.4), dbSNP rs865981027, ClinGen allele CA359581878.
Genomic context (GRCh38, chr5:40,945,351, plus strand): 5'-AAGCGCTCCTTTTTTAGATCTTCATCATCTTCTTCACGCAGTTATACTTCACATACCAAT[G>T]AAATCCATAAAGGAAAGGTTAGTATAAAATGTCAGTTAACTTTTCCATGTTTTACTTTTT-3'

ClinVar aggregate classification (germline): Pathogenic (1 of 4 stars; one submission).

Allele frequency attached by ClinVar (database versions not stated): gnomAD exomes below 0.00001.
gnomAD v4.1: 3 of 1,590,128 alleles (0.00019%); highest among the groups gnomAD compares: Non-Finnish European, 0.00026%; no homozygotes.

Submission:

Labcorp Genetics (formerly Invitae), Labcorp
Classification: Pathogenic. Last evaluated: 2022-08-24. Review status: criteria provided, single submitter. Criteria: Invitae Variant Classification Sherloc (09022015). Collection method: clinical testing. Allele origin: germline.
Comment: This variant has not been reported in the literature in individuals affected with C7-related conditions. This sequence change creates a premature translational stop signal (p.Glu241*) in the C7 gene. It is expected to result in an absent or disrupted protein product. Loss-of-function variants in C7 are known to be pathogenic (PMID: 9856499, 17407100). This variant is not present in population databases (gnomAD no frequency). For these reasons, this variant has been classified as Pathogenic.

Literature cited by the submitters: PubMed 9856499; PubMed 17407100.